The following is an entry in ClinVar:

ClinVar aggregate classification (germline): Uncertain significance (1 of 4 stars; one submission).

Conditions:
Dyskeratosis congenita. Identifiers: Orphanet 1775, MedGen C0265965, MONDO:0015780.

Submission:

Labcorp Genetics (formerly Invitae), Labcorp
Classification: Uncertain significance for Dyskeratosis congenita. Last evaluated: 2022-07-02. Review status: criteria provided, single submitter. Criteria: Invitae Variant Classification Sherloc (09022015). Collection method: clinical testing. Allele origin: germline.
Comment: This variant is not present in population databases (gnomAD no frequency). In summary, the available evidence is currently insufficient to determine the role of this variant in disease. Therefore, it has been classified as a Variant of Uncertain Significance. Algorithms developed to predict the effect of missense changes on protein structure and function output the following: SIFT: "Tolerated"; PolyPhen-2: "Benign"; Align-GVGD: "Class C0". The glutamic acid amino acid residue is found in multiple mammalian species, which suggests that this missense change does not adversely affect protein function. This variant has not been reported in the literature in individuals affected with CTC1-related conditions. This sequence change replaces aspartic acid, which is acidic and polar, with glutamic acid, which is acidic and polar, at codon 793 of the CTC1 protein (p.Asp793Glu).

NM_025099.6(CTC1):c.2379T>A (p.Asp793Glu)

Gene: CTC1 (CST telomere replication complex component 1; minus strand). Cytogenetic location: 17p13.1.
Variant type: single nucleotide variant.
Coding change: c.2379T>A on transcript NM_025099.6 (MANE Select); coding-DNA position 2379, T replaced by A.
Protein change: p.Asp793Glu; replaces aspartic acid 793 with glutamic acid.
Molecular consequence: missense variant. On other transcripts: non-coding transcript variant (1).
Genome position (GRCh38, 1-based): chr17:8,231,909, A>T on the plus strand (T>A on the coding strand, the complement: CTC1 is on the minus strand). VCF-style: chr17-8231909-A-T. GRCh37 (hg19) VCF-style: chr17-8135227-A-T.
Other names: c.2379T>A, p.Asp793Glu (NM_001411067.1); short protein forms D793E.
Identifiers: ClinVar variation 2142699 (VCV002142699.4), dbSNP rs2507895862, ClinGen allele CA397977086.
Genomic context (GRCh38, chr17:8,231,909, plus strand): 5'-AGCCAGAGGCTCAGGGCGCAGGTCAGGTCCTGGGTCCCTGGAGTCCCAGTTTACCTTCTG[A>T]TCATTGTCGTCATTTCCCTGGGGCTCGGGCAGCCCCCATCCAGTACCCTCCTTCCTCTGG-3'
Protein context (NP_079375.3, residues 783-803): LPEPQGNDDN[Asp793Glu]QKVHLIFFGS